The following is an entry in ClinVar:

NM_000218.3(KCNQ1):c.728G>T (p.Arg243Leu)

Gene: KCNQ1 (potassium voltage-gated channel subfamily Q member 1; plus strand). Cytogenetic location: 11p15.5.
Variant type: single nucleotide variant.
Coding change: c.728G>T on transcript NM_000218.3 (MANE Select); coding-DNA position 728, G replaced by T.
Protein change: p.Arg243Leu; replaces arginine 243 with leucine.
Molecular consequence: missense variant. On other transcripts: intron variant (1).
Genome position (GRCh38, 1-based): chr11:2,572,057, G>T. VCF-style: chr11-2572057-G-T. GRCh37 (hg19) VCF-style: chr11-2593287-G-T.
Other names: c.728G>T, p.Arg243Leu (NM_001406836.1); c.458G>T, p.Arg153Leu (NM_001406837.1); c.347G>T, p.Arg116Leu (NM_181798.2); c.478-11378G>T (NM_001406838.1); short protein forms R116L, R153L, R243L.
Identifiers: ClinVar variation 2904944 (VCV002904944.3), dbSNP rs120074196, ClinGen allele CA379130975.

ClinVar aggregate classification (germline): Likely pathogenic (1 of 4 stars; one submission).

Conditions:
Long QT syndrome (LQTS). Identifiers: MedGen C0023976, MeSH D008133, MONDO:0002442. Disease mechanism: loss of function. Inheritance: Various modes of inheritance.

Submission:

Labcorp Genetics (formerly Invitae), Labcorp
Classification: Likely pathogenic for Long QT syndrome. Last evaluated: 2022-12-04. Review status: criteria provided, single submitter. Criteria: Invitae Variant Classification Sherloc (09022015). Collection method: clinical testing. Allele origin: germline.
Comment: In summary, the currently available evidence indicates that the variant is pathogenic, but additional data are needed to prove that conclusively. Therefore, this variant has been classified as Likely Pathogenic. This variant disrupts the p.Arg243 amino acid residue in KCNQ1. Other variant(s) that disrupt this residue have been determined to be pathogenic (PMID: 10728423, 15469540, 20167303, 23400408, 26022593). This suggests that this residue is clinically significant, and that variants that disrupt this residue are likely to be disease-causing. Advanced modeling of protein sequence and biophysical properties (such as structural, functional, and spatial information, amino acid conservation, physicochemical variation, residue mobility, and thermodynamic stability) performed at Invitae indicates that this missense variant is expected to disrupt KCNQ1 protein function. This variant has not been reported in the literature in individuals affected with KCNQ1-related conditions. This variant is not present in population databases (gnomAD no frequency). This sequence change replaces arginine, which is basic and polar, with leucine, which is neutral and non-polar, at codon 243 of the KCNQ1 protein (p.Arg243Leu).

Literature cited by the submitters: PubMed 10728423; PubMed 15469540; PubMed 20167303; PubMed 23400408; PubMed 26022593.